The following is an entry in ClinVar:

NM_176787.5(PIGN):c.1693C>T (p.Arg565Cys)

Gene: PIGN (phosphatidylinositol glycan anchor biosynthesis class N; minus strand). Cytogenetic location: 18q21.33.
Variant type: single nucleotide variant.
Coding change: c.1693C>T on transcript NM_176787.5 (MANE Select); coding-DNA position 1693, C replaced by T.
Protein change: p.Arg565Cys; replaces arginine 565 with cysteine.
Molecular consequence: missense variant.
Genome position (GRCh38, 1-based): chr18:62,106,863, G>A on the plus strand (C>T on the coding strand, the complement: PIGN is on the minus strand). VCF-style: chr18-62106863-G-A. GRCh37 (hg19) VCF-style: chr18-59774096-G-A.
Other names: c.1693C>T, p.Arg565Cys (NM_012327.6); short protein forms R565C.
Identifiers: ClinVar variation 646762 (VCV000646762.9), dbSNP rs374005156, ClinGen allele CA8982199.

ClinVar aggregate classification (germline): Uncertain significance. Review status: criteria provided, multiple submitters, no conflicts (2 of 4 stars). 3 submissions from 3 submitters: Uncertain significance (3). Last evaluated 2025-01-29.

Conditions:
Multiple congenital anomalies-hypotonia-seizures syndrome 1 (MCAHS1). Also called: GLYCOSYLPHOSPHATIDYLINOSITOL BIOSYNTHESIS DEFECT 3; PIGN-CDG; Congenital disorder of glycosylation due to PIGN deficiency. Identifiers: Orphanet 280633, MedGen C3279775, MONDO:0013563, OMIM 614080.

Allele frequency attached by ClinVar (database versions not stated): ExAC 0.00001; gnomAD exomes 0.00001 and 0.00008; gnomAD 0.00005 and 0.00006; TOPMed 0.00006; ESP Exome Variant Server 0.00008.
gnomAD v4.1: 119 of 1,607,786 alleles (0.0074%); highest among the groups gnomAD compares: African/African-American, 0.0094%; no homozygotes.

Submissions (3):

Women's Health and Genetics/Laboratory Corporation of America, LabCorp
Classification: Uncertain significance. Last evaluated: 2025-01-29. Review status: criteria provided, single submitter. Criteria: LabCorp Variant Classification Summary - May 2015. Collection method: clinical testing. Allele origin: germline.

Labcorp Genetics (formerly Invitae), Labcorp
Classification: Uncertain significance for Multiple congenital anomalies-hypotonia-seizures syndrome 1. Last evaluated: 2025-01-06. Review status: criteria provided, single submitter. Criteria: Invitae Variant Classification Sherloc (09022015). Collection method: clinical testing. Allele origin: germline.
Comment: This sequence change replaces arginine, which is basic and polar, with cysteine, which is neutral and slightly polar, at codon 565 of the PIGN protein (p.Arg565Cys). The frequency data for this variant in the population databases is considered unreliable, as metrics indicate poor data quality at this position in the gnomAD database. This variant has not been reported in the literature in individuals affected with PIGN-related conditions. ClinVar contains an entry for this variant (Variation ID: 646762). Invitae Evidence Modeling of protein sequence and biophysical properties (such as structural, functional, and spatial information, amino acid conservation, physicochemical variation, residue mobility, and thermodynamic stability) indicates that this missense variant is expected to disrupt PIGN protein function with a positive predictive value of 80%. In summary, the available evidence is currently insufficient to determine the role of this variant in disease. Therefore, it has been classified as a Variant of Uncertain Significance.

Baylor Genetics
Classification: Uncertain significance for Multiple congenital anomalies-hypotonia-seizures syndrome 1. Last evaluated: 2019-07-21. Review status: criteria provided, single submitter. Criteria: ACMG Guidelines, 2015. Collection method: clinical testing. Allele origin: unknown. Affected: yes.
Comment: This variant was determined to be of uncertain significance according to ACMG Guidelines, 2015 [PMID:25741868].